The following is an entry in ClinVar:

ClinVar aggregate classification (germline): Uncertain significance (1 of 4 stars; one submission).

Conditions:
3-Methylglutaconic aciduria type 2 (BTHS). Also called: CARDIOSKELETAL MYOPATHY WITH NEUTROPENIA AND ABNORMAL MITOCHONDRIA; Barth syndrome. Identifiers: Orphanet 111, MedGen C0574083, MONDO:0010543, OMIM 302060.

Submission:

Labcorp Genetics (formerly Invitae), Labcorp
Classification: Uncertain significance for 3-Methylglutaconic aciduria type 2. Last evaluated: 2025-03-31. Review status: criteria provided, single submitter. Criteria: Invitae Variant Classification Sherloc (09022015). Collection method: clinical testing. Allele origin: germline.
Comment: This sequence change replaces glutamic acid, which is acidic and polar, with lysine, which is basic and polar, at codon 152 of the TAZ protein (p.Glu152Lys). This variant is not present in population databases (gnomAD no frequency). This variant has not been reported in the literature in individuals affected with TAZ-related conditions. An algorithm developed to predict the effect of missense changes on protein structure and function (PolyPhen-2) suggests that this variant is likely to be tolerated. In summary, the available evidence is currently insufficient to determine the role of this variant in disease. Therefore, it has been classified as a Variant of Uncertain Significance.

NM_000116.5(TAFAZZIN):c.454G>A (p.Glu152Lys)

Gene: TAFAZZIN (tafazzin, phospholipid-lysophospholipid transacylase; plus strand). Cytogenetic location: Xq28.
Variant type: single nucleotide variant.
Coding change: c.454G>A on transcript NM_000116.5 (MANE Select); coding-DNA position 454, G replaced by A.
Protein change: p.Glu152Lys; replaces glutamic acid 152 with lysine.
Molecular consequence: missense variant. On other transcripts: intron variant (5).
Genome position (GRCh38, 1-based): chrX:154,414,184, G>A. VCF-style: chrX-154414184-G-A. GRCh37 (hg19) VCF-style: chrX-153642521-G-A.
Other names: c.508G>A, p.Glu170Lys (NM_001303465.2, NM_001440856.1); c.454G>A, p.Glu152Lys (NM_181312.4); c.424+617G>A (NM_001410698.1, NM_001440857.1); c.370+617G>A (NM_181311.4, NM_181313.4, NM_001440858.1); short protein forms E152K, E170K.
Identifiers: ClinVar variation 4715689 (VCV004715689.1).